The following is an entry in ClinVar:

ClinVar aggregate classification (germline): Likely benign. Review status: criteria provided, multiple submitters, no conflicts (2 of 4 stars). 2 submissions from 2 submitters: Likely benign (2). Last evaluated 2025-12-03.

Conditions:
C2CD3-related disorder. Also called: C2CD3-related condition.

Allele frequency attached by ClinVar (database versions not stated): gnomAD exomes 0.00001.
gnomAD v4.1: 22 of 1,536,214 alleles (0.0014%); highest among the groups gnomAD compares: African/African-American, 0.019%; no homozygotes.

Submissions (2):

Labcorp Genetics (formerly Invitae), Labcorp
Classification: Likely benign. Last evaluated: 2025-12-03. Review status: criteria provided, single submitter. Criteria: Invitae Variant Classification Sherloc (09022015). Collection method: clinical testing. Allele origin: germline.

PreventionGenetics, part of Exact Sciences
Classification: Likely benign for C2CD3-related condition. Last evaluated: 2025-05-23. Review status: criteria provided, single submitter. Criteria: ACMG Guidelines, 2015. Collection method: clinical testing. Allele origin: germline.
Comment: This variant is classified as likely benign based on ACMG/AMP sequence variant interpretation guidelines (Richards et al. 2015 PMID: 25741868, with internal and published modifications).

NM_001286577.2(C2CD3):c.6219C>T (p.Thr2073=)

Gene: C2CD3 (C2 domain containing 3 centriole elongation regulator; minus strand). Cytogenetic location: 11q13.4.
Variant type: single nucleotide variant.
Coding change: c.6219C>T on transcript NM_001286577.2 (MANE Select); coding-DNA position 6219, C replaced by T.
Protein change: p.Thr2073=; no amino-acid change (threonine 2073 retained).
Molecular consequence: synonymous variant.
Genome position (GRCh38, 1-based): chr11:74,033,941, G>A on the plus strand (C>T on the coding strand, the complement: C2CD3 is on the minus strand). VCF-style: chr11-74033941-G-A. GRCh37 (hg19) VCF-style: chr11-73744986-G-A.
Other names: c.6219C>T (NM_001286577.1).
Identifiers: ClinVar variation 1918949 (VCV001918949.6), dbSNP rs887938233, ClinGen allele CA224505706.
Genomic context (GRCh38, chr11:74,033,941, plus strand): 5'-GTCTGATATGACACTAGACCAAGGGCTAGTTTTGTCTGTCACCGTGGTGATCTCATTTAA[G>A]GTCCTGGGCTCAATGATGTCTTCTTCATAGTCCTCATCACTGTAGGCTGGGCCTGCCTCA-3'
Protein context (NP_001273506.1, residues 2063-2083): DYEEDIIEPR[Thr2073=]LNEITTVTDK